The following is an entry in ClinVar:

NM_002049.4(GATA1):c.797C>T (p.Thr266Met)

Gene: GATA1 (GATA binding protein 1; plus strand). Cytogenetic location: Xp11.23.
Variant type: single nucleotide variant.
Coding change: c.797C>T on transcript NM_002049.4 (MANE Select); coding-DNA position 797, C replaced by T.
Protein change: p.Thr266Met; replaces threonine 266 with methionine.
Molecular consequence: missense variant.
Genome position (GRCh38, 1-based): chrX:48,793,224, C>T. VCF-style: chrX-48793224-C-T. GRCh37 (hg19) VCF-style: chrX-48651631-C-T.
Other names: short protein forms T266M.
Identifiers: ClinVar variation 2936770 (VCV002936770.3), dbSNP rs2519345694, ClinGen allele CA412871284.

ClinVar aggregate classification (germline): Uncertain significance (1 of 4 stars; one submission).

Conditions:
Diamond-Blackfan anemia. Also called: Blackfan Diamond syndrome; Aregenerative anemia chronic congenital; Red cell aplasia, pure hereditary; Congenital hypoplastic anemia; Aase syndrome. Identifiers: Orphanet 124, MedGen C1260899, MeSH D029503, MONDO:0015253, HP:0004810.
GATA binding protein 1 related thrombocytopenia with dyserythropoiesis. Also called: GATA1-Related Cytopenia; GATA1-Related X-Linked Cytopenia. Identifiers: MedGen C1845837, MONDO:0100089.

Allele frequency attached by ClinVar (database versions not stated): gnomAD exomes below 0.00001.

Submission:

Labcorp Genetics (formerly Invitae), Labcorp
Classification: Uncertain significance for GATA binding protein 1 related thrombocytopenia with dyserythropoiesis; Diamond-Blackfan anemia. Last evaluated: 2025-01-23. Review status: criteria provided, single submitter. Criteria: Invitae Variant Classification Sherloc (09022015). Collection method: clinical testing. Allele origin: germline.
Comment: This sequence change replaces threonine, which is neutral and polar, with methionine, which is neutral and non-polar, at codon 266 of the GATA1 protein (p.Thr266Met). This variant is not present in population databases (gnomAD no frequency). This variant has not been reported in the literature in individuals affected with GATA1-related conditions. ClinVar contains an entry for this variant (Variation ID: 2936770). Invitae Evidence Modeling of protein sequence and biophysical properties (such as structural, functional, and spatial information, amino acid conservation, physicochemical variation, residue mobility, and thermodynamic stability) has been performed for this missense variant. However, the output from this modeling did not meet the statistical confidence thresholds required to predict the impact of this variant on GATA1 protein function. In summary, the available evidence is currently insufficient to determine the role of this variant in disease. Therefore, it has been classified as a Variant of Uncertain Significance.